The following is an entry in ClinVar:

ClinVar aggregate classification (germline): Likely benign (0 of 4 stars; one submission).

Conditions:
MMP9-related disorder. Also called: MMP9-related condition.

Submission:

PreventionGenetics, part of Exact Sciences
Classification: Likely benign for MMP9-related condition. Last evaluated: 2019-02-22. Review status: no assertion criteria provided. Collection method: clinical testing. Allele origin: germline.
Comment: This variant is classified as likely benign based on ACMG/AMP sequence variant interpretation guidelines (Richards et al. 2015 PMID: 25741868, with internal and published modifications).

NM_004994.3(MMP9):c.371+7C>G

Gene: MMP9 (matrix metallopeptidase 9; plus strand). Cytogenetic location: 20q13.12.
Variant type: single nucleotide variant.
Coding change: c.371+7C>G on transcript NM_004994.3 (MANE Select); 7 bases into the intron after coding-DNA position 371, C replaced by G.
Molecular consequence: intron variant.
Genome position (GRCh38, 1-based): chr20:46,010,105, C>G. VCF-style: chr20-46010105-C-G. GRCh37 (hg19) VCF-style: chr20-44638744-C-G.
Identifiers: ClinVar variation 3039334 (VCV003039334.2), dbSNP rs1568846477, ClinGen allele CA1017937667.